The following is an entry in ClinVar:

NM_001040108.2(MLH3):c.1022A>C (p.Gln341Pro)

Gene: MLH3 (mutL homolog 3; minus strand). Cytogenetic location: 14q24.3.
Variant type: single nucleotide variant.
Coding change: c.1022A>C on transcript NM_001040108.2 (MANE Select); coding-DNA position 1022, A replaced by C.
Protein change: p.Gln341Pro; replaces glutamine 341 with proline.
Molecular consequence: missense variant.
Genome position (GRCh38, 1-based): chr14:75,048,634, T>G on the plus strand (A>C on the coding strand, the complement: MLH3 is on the minus strand). VCF-style: chr14-75048634-T-G. GRCh37 (hg19) VCF-style: chr14-75515337-T-G.
Other names: c.1022A>C, p.Gln341Pro (NM_014381.3); short protein forms Q341P.
Identifiers: ClinVar variation 3873530 (VCV003873530.1).

ClinVar aggregate classification (germline): Uncertain significance (1 of 4 stars; one submission).

Submission:

Ambry Genetics
Classification: Uncertain significance. Last evaluated: 2025-02-21. Review status: criteria provided, single submitter. Criteria: Ambry Variant Classification Scheme 2023. Collection method: clinical testing. Allele origin: germline.
Comment: The p.Q341P variant (also known as c.1022A>C), located in coding exon 1 of the MLH3 gene, results from an A to C substitution at nucleotide position 1022. The glutamine at codon 341 is replaced by proline, an amino acid with similar properties. This amino acid position is conserved. In addition, the in silico prediction for this alteration is inconclusive. Based on the available evidence, the clinical significance of this variant remains unclear.